The following is an entry in ClinVar:

NM_000587.4(C7):c.2422G>A (p.Val808Met)

Gene: C7 (complement C7; plus strand). Cytogenetic location: 5p13.1.
Variant type: single nucleotide variant.
Coding change: c.2422G>A on transcript NM_000587.4 (MANE Select); coding-DNA position 2422, G replaced by A.
Protein change: p.Val808Met; replaces valine 808 with methionine.
Molecular consequence: missense variant.
Genome position (GRCh38, 1-based): chr5:40,981,463, G>A. VCF-style: chr5-40981463-G-A. GRCh37 (hg19) VCF-style: chr5-40981565-G-A.
Other names: short protein forms V808M.
Identifiers: ClinVar variation 1990527 (VCV001990527.1), dbSNP rs371867672, ClinGen allele CA3250305.

ClinVar aggregate classification (germline): Uncertain significance (1 of 4 stars; one submission).

Allele frequency attached by ClinVar (database versions not stated): gnomAD 0.00001; gnomAD exomes 0.00001; TOPMed 0.00001; ExAC 0.00004; ESP Exome Variant Server 0.00008.
gnomAD v4.1: 9 of 1,613,680 alleles (0.00056%); highest among the groups gnomAD compares: Non-Finnish European, 0.00068%; no homozygotes.

Submission:

Labcorp Genetics (formerly Invitae), Labcorp
Classification: Uncertain significance. Last evaluated: 2022-03-16. Review status: criteria provided, single submitter. Criteria: Invitae Variant Classification Sherloc (09022015). Collection method: clinical testing. Allele origin: germline.
Comment: This sequence change replaces valine, which is neutral and non-polar, with methionine, which is neutral and non-polar, at codon 808 of the C7 protein (p.Val808Met). This variant is present in population databases (rs371867672, gnomAD 0.006%). This variant has not been reported in the literature in individuals affected with C7-related conditions. Algorithms developed to predict the effect of missense changes on protein structure and function are either unavailable or do not agree on the potential impact of this missense change (SIFT: "Deleterious"; PolyPhen-2: "Benign"; Align-GVGD: "Class C0"). In summary, the available evidence is currently insufficient to determine the role of this variant in disease. Therefore, it has been classified as a Variant of Uncertain Significance.